The following is an entry in ClinVar:

NM_004385.5(VCAN):c.7161A>G (p.Ser2387=)

Genes: VCAN (versican; plus strand), VCAN-AS1 (VCAN antisense RNA 1; minus strand). Cytogenetic location: 5q14.3.
Variant type: single nucleotide variant.
Coding change: c.7161A>G on transcript NM_004385.5 (MANE Select); coding-DNA position 7161, A replaced by G.
Protein change: p.Ser2387=; no amino-acid change (serine 2387 retained).
Molecular consequence: synonymous variant. On other transcripts: intron variant (2).
Genome position (GRCh38, 1-based): chr5:83,540,164, A>G. VCF-style: chr5-83540164-A-G. GRCh37 (hg19) VCF-style: chr5-82835983-A-G.
Other names: c.4200A>G, p.Ser1400= (NM_001164097.2); c.4004-5373A>G (NM_001164098.2); c.1043-5373A>G (NM_001126336.3).
Identifiers: ClinVar variation 768013 (VCV000768013.14), dbSNP rs140755194, ClinGen allele CA3333592.
Genomic context (GRCh38, chr5:83,540,164, plus strand): 5'-AGAAATCCAGACTAGTAGACCACAAACCATAACTGAACAAGACTCTAACAAGAATTCTTC[A>G]ACAGCAGAAATTAACGAAACAACAACCTCATCTACTGATTTTCTGGCTAGAGCTTATGGT-3'
Protein context (NP_004376.2, residues 2377-2397): ITEQDSNKNS[Ser2387=]TAEINETTTS

ClinVar aggregate classification (germline): Likely benign. Review status: criteria provided, multiple submitters, no conflicts (2 of 4 stars). 4 submissions from 4 submitters: Likely benign (4). Last evaluated 2026-08-03.

Conditions:
VCAN-related disorder. Also called: VCAN-related condition.

Allele frequency attached by ClinVar (database versions not stated): gnomAD exomes 0.00002 and 0.00010; ExAC 0.00009; 1000 Genomes Project 30x 0.00016; 1000 Genomes Project 0.00020; TOPMed 0.00028; ESP Exome Variant Server 0.00031; gnomAD 0.00032 and 0.00035.
gnomAD v4.1: 83 of 1,614,092 alleles (0.0051%); highest among the groups gnomAD compares: African/African-American, 0.099%; no homozygotes.

Submissions (4):

PreventionGenetics, part of Exact Sciences
Classification: Likely benign for VCAN-related condition. Last evaluated: 2026-08-03. Review status: criteria provided, single submitter. Criteria: ACMG Guidelines, 2015. Collection method: clinical testing. Allele origin: germline.
Comment: This variant is classified as likely benign based on ACMG/AMP sequence variant interpretation guidelines (Richards et al. 2015 PMID: 25741868, with internal and published modifications).

Labcorp Genetics (formerly Invitae), Labcorp
Classification: Likely benign. Last evaluated: 2025-12-29. Review status: criteria provided, single submitter. Criteria: Invitae Variant Classification Sherloc (09022015). Collection method: clinical testing. Allele origin: germline.

Blueprint Genetics
Classification: Likely benign. Last evaluated: 2024-05-13. Review status: criteria provided, single submitter. Criteria: ACMG Guidelines, 2015. Collection method: clinical testing. Allele origin: germline.

Breakthrough Genomics
Classification: Likely benign. Review status: criteria provided, single submitter. Criteria: ACMG Guidelines, 2015. Collection method: not provided. Allele origin: germline. Inheritance: Autosomal dominant inheritance. Affected: yes.